The following is an entry in ClinVar:

NM_025194.3(ITPKC):c.796G>A (p.Gly266Ser)

Gene: ITPKC (inositol-trisphosphate 3-kinase C; plus strand). Cytogenetic location: 19q13.2.
Variant type: single nucleotide variant.
Coding change: c.796G>A on transcript NM_025194.3 (MANE Select); coding-DNA position 796, G replaced by A.
Protein change: p.Gly266Ser; replaces glycine 266 with serine.
Molecular consequence: missense variant.
Genome position (GRCh38, 1-based): chr19:40,717,931, G>A. VCF-style: chr19-40717931-G-A. GRCh37 (hg19) VCF-style: chr19-41223836-G-A.
Other names: c.796G>A, p.Gly266Ser (NM_001411098.1); short protein forms G266S.
Identifiers: ClinVar variation 3061613 (VCV003061613.2), dbSNP rs182643309, ClinGen allele CA9450708.

ClinVar aggregate classification (germline): Likely benign (0 of 4 stars; one submission).

Conditions:
ITPKC-related disorder. Also called: ITPKC-related condition.

Allele frequency attached by ClinVar (database versions not stated): gnomAD 0.00009; gnomAD exomes 0.00009; ExAC 0.00020; 1000 Genomes Project 30x 0.00047; 1000 Genomes Project 0.00060.
gnomAD v4.1: 147 of 1,614,136 alleles (0.0091%); highest among the groups gnomAD compares: East Asian, 0.26%; no homozygotes.

Submission:

PreventionGenetics, part of Exact Sciences
Classification: Likely benign for ITPKC-related condition. Last evaluated: 2023-07-09. Review status: no assertion criteria provided. Collection method: clinical testing. Allele origin: germline.
Comment: This variant is classified as likely benign based on ACMG/AMP sequence variant interpretation guidelines (Richards et al. 2015 PMID: 25741868, with internal and published modifications).